The following is an entry in ClinVar:

NM_000070.3(CAPN3):c.496del (p.Gln166fs)

Genes: CAPN3 (calpain 3; plus strand), LOC126862115 (BRD4-independent group 4 enhancer GRCh37_chr15:42677734-42678933; plus strand). Cytogenetic location: 15q15.1.
Variant type: Deletion.
Coding change: c.496del on transcript NM_000070.3 (MANE Select); coding-DNA position 496, one base deleted (C; older notation c.496delC).
Protein change: p.Gln166fs; shifts the reading frame from glutamine 166.
Molecular consequence: frameshift variant.
Genome position (GRCh38, 1-based): chr15:42,386,283, C deleted; the last of 2 consecutive C bases (chr15:42,386,282-42,386,283); deleting either gives the same sequence. VCF-style (leftmost placement, unchanged base first): chr15-42386281-TC-T. GRCh37 (hg19) VCF-style: chr15-42678479-TC-T.
Other names: c.496delC (NM_000070.2); c.496del, p.Gln166fs (NM_024344.2, NM_173087.2); c.235delC, p.Gln79Serfs (NM_212464.2); c.*189delC (NM_212467.2); short protein forms Q166fs.
Identifiers: ClinVar variation 2134327 (VCV002134327.5), dbSNP rs2548255981, ClinGen allele CA2580089408.

ClinVar aggregate classification (germline): Pathogenic/Likely pathogenic. Review status: criteria provided, multiple submitters, no conflicts (2 of 4 stars). 2 submissions from 2 submitters: Pathogenic (1); Likely pathogenic (1). Last evaluated 2024-03-08.

Conditions:
Autosomal recessive limb-girdle muscular dystrophy type 2A (LGMDR1). Also called: Calpainopathy; Muscular dystrophy, limb-girdle, type 2A, Amish; LEYDEN-MOEBIUS MUSCULAR DYSTROPHY; MUSCULAR DYSTROPHY, PELVOFEMORAL; Limb-girdle muscular dystrophy, type 2A. Identifiers: Orphanet 267, MedGen C1869123, MONDO:0009675, OMIM 253600. Disease mechanism: loss of function.

Submissions (2):

Natera, Inc.
Classification: Likely pathogenic for Limb-girdle muscular dystrophy type 2A. Last evaluated: 2024-03-08. Review status: criteria provided, single submitter. Criteria: Natera Variant Classification Schema (03/2026). Collection method: clinical testing. Allele origin: germline.
Comment: The c.496delC variant in CAPN3 is a frameshift variant predicted to shift the reading frame beginning at codon 166 and leads to a stop codon 13 codons downstream. This variant is expected to result in nonsense mediated decay, truncation, or a dysfunctional protein product. This variant is rare in the general population with a frequency below the threshold expected for the associated phenotype(s). Given the available evidence, this variant is classified as Likely Pathogenic.

Labcorp Genetics (formerly Invitae), Labcorp
Classification: Pathogenic for Autosomal recessive limb-girdle muscular dystrophy type 2A. Last evaluated: 2022-02-23. Review status: criteria provided, single submitter. Criteria: Invitae Variant Classification Sherloc (09022015). Collection method: clinical testing. Allele origin: germline.
Comment: This sequence change creates a premature translational stop signal (p.Gln166Serfs*13) in the CAPN3 gene. It is expected to result in an absent or disrupted protein product. Loss-of-function variants in CAPN3 are known to be pathogenic (PMID: 10330340, 15689361). This variant is not present in population databases (gnomAD no frequency). This variant has not been reported in the literature in individuals affected with CAPN3-related conditions. For these reasons, this variant has been classified as Pathogenic.

Literature cited by the submitters: PubMed 10330340 (cited by Labcorp Genetics (formerly Invitae), Labcorp); PubMed 15689361 (cited by Labcorp Genetics (formerly Invitae), Labcorp).